The following is an entry in ClinVar:

ClinVar aggregate classification (germline): Uncertain significance (1 of 4 stars; one submission).

Conditions:
Cardiovascular phenotype. Identifiers: MedGen CN230736.

gnomAD v4.1: 1 of 1,610,382 alleles (0.000062%); highest among the groups gnomAD compares: East Asian, 0.0022%; no homozygotes.

Submission:

Ambry Genetics
Classification: Uncertain significance for Cardiovascular phenotype. Last evaluated: 2024-12-05. Review status: criteria provided, single submitter. Criteria: Ambry Variant Classification Scheme 2023. Collection method: clinical testing. Allele origin: germline.
Comment: The p.H1546R variant (also known as c.4637A>G), located in coding exon 11 of the TNXB gene, results from an A to G substitution at nucleotide position 4637. The histidine at codon 1546 is replaced by arginine, an amino acid with highly similar properties. This amino acid position is conserved. In addition, this alteration is predicted to be tolerated by in silico analysis. Based on the available evidence, the clinical significance of this variant remains unclear.

NM_001365276.2(TNXB):c.4637A>G (p.His1546Arg)

Gene: TNXB (tenascin XB; minus strand). Cytogenetic location: 6p21.33.
Variant type: single nucleotide variant.
Coding change: c.4637A>G on transcript NM_001365276.2 (MANE Select); coding-DNA position 4637, A replaced by G.
Protein change: p.His1546Arg; replaces histidine 1546 with arginine.
Molecular consequence: missense variant.
Genome position (GRCh38, 1-based): chr6:32,073,691, T>C on the plus strand (A>G on the coding strand, the complement: TNXB is on the minus strand). VCF-style: chr6-32073691-T-C. GRCh37 (hg19) VCF-style: chr6-32041468-T-C.
Other names: c.5378A>G, p.His1793Arg (NM_001428335.1); c.4637A>G, p.His1546Arg (NM_019105.8); short protein forms H1793R, H1546R.
Identifiers: ClinVar variation 3459920 (VCV003459920.1).